The following is an entry in ClinVar:

NM_001382567.1(STIM1):c.1847C>T (p.Ala616Val)

Genes: STIM1 (stromal interaction molecule 1; plus strand), LOC124418421 (Sharpr-MPRA regulatory region 9588; plus strand). Cytogenetic location: 11p15.4.
Variant type: single nucleotide variant.
Coding change: c.1847C>T on transcript NM_001382567.1 (MANE Select); coding-DNA position 1847, C replaced by T.
Protein change: p.Ala616Val; replaces alanine 616 with valine.
Molecular consequence: missense variant. On other transcripts: 3 prime UTR variant (4), non-coding transcript variant (3).
Genome position (GRCh38, 1-based): chr11:4,091,494, C>T. VCF-style: chr11-4091494-C-T. GRCh37 (hg19) VCF-style: chr11-4112724-C-T.
Other names: c.2072C>T, p.Ala691Val (NM_001277961.3); c.*168C>T (NM_001277962.2, NM_001382578.1, NM_001382579.1 and 1 more transcripts); c.1850C>T, p.Ala617Val (NM_001382566.1); c.1775C>T, p.Ala592Val (NM_001382568.1); c.1619C>T, p.Ala540Val (NM_001382569.1); c.1526C>T, p.Ala509Val (NM_001382570.1); c.1274C>T, p.Ala425Val (NM_001382571.1); c.1532C>T, p.Ala511Val (NM_001382575.1, NM_001382576.1, NM_001382577.1); and 2 more; short protein forms A585V, A691V, A422V, A425V, A509V, A511V, A540V, A592V.
Identifiers: ClinVar variation 568147 (VCV000568147.18), dbSNP rs750326949, ClinGen allele CA5830620.
Genomic context (GRCh38, chr11:4,091,494, plus strand): 5'-CAGGGTCTCTGGTGGAGAAACTGCCTGACAGCCCTGCCCTGGCCAAGAAGGCATTACTGG[C>T]GCTGAACCATGGGCTGGACAAGGCCCACAGCCTGATGGAGCTGAGCCCCTCAGCCCCACC-3'
Protein context (NP_001369496.1, residues 606-626): SPALAKKALL[Ala616Val]LNHGLDKAHS

ClinVar aggregate classification (germline): Conflicting classifications of pathogenicity. Review status: criteria provided, conflicting classifications (1 of 4 stars). 4 submissions from 4 submitters: Uncertain significance (3); Likely benign (1). Last evaluated 2025-08-16.

Conditions:
Inborn genetic diseases. Identifiers: MedGen C0950123, MeSH D030342.
Stormorken syndrome (STRMK). Also called: THROMBOCYTOPATHY, ASPLENIA, AND MIOSIS. Identifiers: Orphanet 3204, MedGen C1861451, MONDO:0008497, OMIM 185070.
Combined immunodeficiency due to STIM1 deficiency. Also called: IMMUNODEFICIENCY 10; STIM1 DEFICIENCY. Identifiers: Orphanet 169090, Orphanet 317430, MedGen C2748557, MONDO:0013008, OMIM 612783.
Myopathy with tubular aggregates (TAM). Also called: Tubular Aggregate Myopathy. Identifiers: Orphanet 2593, MedGen C0410207, MONDO:0008051.
Myopathy, tubular aggregate, 1 (TAM1). Identifiers: MedGen C4011726, MONDO:0024531, OMIM 160565.

Allele frequency attached by ClinVar (database versions not stated): gnomAD exomes 0.00003 and 0.00008; ExAC 0.00006; TOPMed 0.00014; gnomAD 0.00009 and 0.00011.
gnomAD v4.1: 68 of 1,614,042 alleles (0.0042%); highest among the groups gnomAD compares: Admixed American, 0.035%; no homozygotes.

Submissions (4):

Labcorp Genetics (formerly Invitae), Labcorp
Classification: Likely benign for Myopathy with tubular aggregates; Combined immunodeficiency due to STIM1 deficiency; Stormorken syndrome. Last evaluated: 2025-08-16. Review status: criteria provided, single submitter. Criteria: Invitae Variant Classification Sherloc (09022015). Collection method: clinical testing. Allele origin: germline.

Ambry Genetics
Classification: Uncertain significance for Inborn genetic diseases. Last evaluated: 2024-07-14. Review status: criteria provided, single submitter. Criteria: Ambry Variant Classification Scheme 2023. Collection method: clinical testing. Allele origin: germline.

Women's Health and Genetics/Laboratory Corporation of America, LabCorp
Classification: Uncertain significance. Last evaluated: 2023-05-17. Review status: criteria provided, single submitter. Criteria: LabCorp Variant Classification Summary - May 2015. Collection method: clinical testing. Allele origin: germline.
Comment: Variant summary: STIM1 c.1754C>T (p.Ala585Val) results in a non-conservative amino acid change in the encoded protein sequence. Three of five in-silico tools predict a benign effect of the variant on protein function. The variant allele was found at a frequency of 8e-05 in 251302 control chromosomes. This frequency is not significantly higher than estimated for a pathogenic variant in STIM1 causing STIM1-Related Disorders (8e-05 vs ND), allowing no conclusion about variant significance. To our knowledge, no occurrence of c.1754C>T in individuals affected with STIM1-Related Disorders and no experimental evidence demonstrating its impact on protein function have been reported. Two clinical diagnostic laboratories have submitted clinical-significance assessments for this variant to ClinVar after 2014 and classified the variant as uncertain significance. Based on the evidence outlined above, the variant was classified as uncertain significance.

Center for Genomics, Ann and Robert H. Lurie Children's Hospital of Chicago
Classification: Uncertain significance for Myopathy, tubular aggregate, 1; Stormorken syndrome; Combined immunodeficiency due to STIM1 deficiency. Review status: criteria provided, single submitter. Criteria: ACMG Guidelines, 2015. Collection method: clinical testing. Allele origin: germline.
Comment: STIM1 NM_003156.3 exon 12 p.Ala585Val (c.1754C>T): This variant has not been reported in the literature but is present in 0.03% (13/35436) of Latino alleles in the Genome Aggregation Database. This variant is present in ClinVar (Variation ID:568147). Evolutionary conservation for this variant are unclear; computational predictive tools suggest that this variant may not impact the protein. In summary, data on this variant is insufficient for disease classification. Therefore, the clinical significance of this variant is uncertain.